The following is an entry in ClinVar:

ClinVar aggregate classification (germline): Uncertain significance (1 of 4 stars; one submission).

Conditions:
Hereditary nonpolyposis colorectal neoplasms. Identifiers: MedGen C0009405, MeSH D003123.

Submission:

Labcorp Genetics (formerly Invitae), Labcorp
Classification: Uncertain significance for Hereditary nonpolyposis colorectal neoplasms. Last evaluated: 2025-07-31. Review status: criteria provided, single submitter. Criteria: Invitae Variant Classification Sherloc (09022015). Collection method: clinical testing. Allele origin: germline.
Comment: This sequence change replaces phenylalanine, which is neutral and non-polar, with leucine, which is neutral and non-polar, at codon 290 of the PMS2 protein (p.Phe290Leu). This variant is not present in population databases (gnomAD no frequency). This variant has not been reported in the literature in individuals affected with PMS2-related conditions. Invitae Evidence Modeling incorporating data from in vitro experimental studies (internal data) indicates that this missense variant is not expected to disrupt PMS2 function with a negative predictive value of 95%. In summary, the available evidence is currently insufficient to determine the role of this variant in disease. Therefore, it has been classified as a Variant of Uncertain Significance.

NM_000535.7(PMS2):c.870C>A (p.Phe290Leu)

Gene: PMS2 (PMS1 homolog 2, mismatch repair system component; minus strand). Cytogenetic location: 7p22.1.
Variant type: single nucleotide variant.
Coding change: c.870C>A on transcript NM_000535.7 (MANE Select); coding-DNA position 870, C replaced by A.
Protein change: p.Phe290Leu; replaces phenylalanine 290 with leucine.
Molecular consequence: missense variant. On other transcripts: 5 prime UTR variant (2), non-coding transcript variant (1), intron variant (4).
Genome position (GRCh38, 1-based): chr7:5,995,567, G>T on the plus strand (C>A on the coding strand, the complement: PMS2 is on the minus strand). VCF-style: chr7-5995567-G-T. GRCh37 (hg19) VCF-style: chr7-6035198-G-T.
Other names: c.465C>A, p.Phe155Leu (NM_001322003.2, NM_001322004.2, NM_001322005.2 and 19 more transcripts); c.870C>A, p.Phe290Leu (NM_001322006.2, NM_001322014.2, NM_001406870.1 and 2 more transcripts); c.552C>A, p.Phe184Leu (NM_001322007.2, NM_001322008.2, NM_001406876.1 and 4 more transcripts); c.-64C>A (NM_001322011.2, NM_001322012.2); c.297C>A, p.Phe99Leu (NM_001322013.2, NM_001406909.1); c.561C>A, p.Phe187Leu (NM_001322015.2, NM_001406875.1, NM_001406877.1 and 6 more transcripts); c.1056C>A, p.Phe352Leu (NM_001406866.1); c.894C>A, p.Phe298Leu (NM_001406868.1); and 8 more; short protein forms F155L, F178L, F184L, F187L, F352L, F99L, F119L, F234L.
Identifiers: ClinVar variation 4711159 (VCV004711159.1).